The following is an entry in ClinVar:

ClinVar aggregate classification (germline): Uncertain significance. Review status: criteria provided, multiple submitters, no conflicts (2 of 4 stars). 2 submissions from 2 submitters: Uncertain significance (2). Last evaluated 2021-11-23.

Conditions:
Nephronophthisis 15 (NPHP15). Identifiers: Orphanet 3156, MedGen C3541853, MONDO:0013917, OMIM 614845.
Inborn genetic diseases. Identifiers: MedGen C0950123, MeSH D030342.

Submissions (2):

Ambry Genetics
Classification: Uncertain significance for Inborn genetic diseases. Last evaluated: 2021-11-23. Review status: criteria provided, single submitter. Criteria: Ambry Variant Classification Scheme 2023. Collection method: clinical testing. Allele origin: germline.

Labcorp Genetics (formerly Invitae), Labcorp
Classification: Uncertain significance for Nephronophthisis 15. Last evaluated: 2020-06-02. Review status: criteria provided, single submitter. Criteria: Invitae Variant Classification Sherloc (09022015). Collection method: clinical testing. Allele origin: germline.
Comment: In summary, the available evidence is currently insufficient to determine the role of this variant in disease. Therefore, it has been classified as a Variant of Uncertain Significance. Algorithms developed to predict the effect of missense changes on protein structure and function output the following: SIFT: "Tolerated"; PolyPhen-2: "Benign"; Align-GVGD: "Class C0". The asparagine amino acid residue is found in multiple mammalian species, suggesting that this missense change does not adversely affect protein function. These predictions have not been confirmed by published functional studies and their clinical significance is uncertain. This variant has not been reported in the literature in individuals with CEP164-related conditions. This variant is not present in population databases (ExAC no frequency). This sequence change replaces aspartic acid with asparagine at codon 1251 of the CEP164 protein (p.Asp1251Asn). The aspartic acid residue is weakly conserved and there is a small physicochemical difference between aspartic acid and asparagine.

NM_014956.5(CEP164):c.3751G>A (p.Asp1251Asn)

Gene: CEP164 (centrosomal protein 164; plus strand). Cytogenetic location: 11q23.3.
Variant type: single nucleotide variant.
Coding change: c.3751G>A on transcript NM_014956.5 (MANE Select); coding-DNA position 3751, G replaced by A.
Protein change: p.Asp1251Asn; replaces aspartic acid 1251 with asparagine.
Molecular consequence: missense variant.
Genome position (GRCh38, 1-based): chr11:117,409,620, G>A. VCF-style: chr11-117409620-G-A. GRCh37 (hg19) VCF-style: chr11-117280336-G-A.
Other names: c.3751G>A (NM_014956.4); c.3736G>A, p.Asp1246Asn (NM_001271933.2); short protein forms D1246N, D1251N.
Identifiers: ClinVar variation 1042599 (VCV001042599.9), dbSNP rs1270766012, ClinGen allele CA382743221.